The following is an entry in ClinVar:

ClinVar aggregate classification (germline): Uncertain significance (1 of 4 stars; one submission).

Conditions:
Nephronophthisis 18 (NPHP18). Identifiers: Orphanet 655, MedGen C3890591, MONDO:0014374, OMIM 615862.

Allele frequency attached by ClinVar (database versions not stated): gnomAD exomes below 0.00001; gnomAD 0.00001.
gnomAD v4.1: 5 of 1,613,950 alleles (0.00031%); highest among the groups gnomAD compares: Non-Finnish European, 0.00042%; no homozygotes.

Submission:

Labcorp Genetics (formerly Invitae), Labcorp
Classification: Uncertain significance for Nephronophthisis 18. Last evaluated: 2022-08-16. Review status: criteria provided, single submitter. Criteria: Invitae Variant Classification Sherloc (09022015). Collection method: clinical testing. Allele origin: germline.
Comment: This sequence change replaces cysteine, which is neutral and slightly polar, with arginine, which is basic and polar, at codon 221 of the CEP83 protein (p.Cys221Arg). This variant is present in population databases (no rsID available, gnomAD 0.007%). This variant has not been reported in the literature in individuals affected with CEP83-related conditions. ClinVar contains an entry for this variant (Variation ID: 1014131). Algorithms developed to predict the effect of missense changes on protein structure and function are either unavailable or do not agree on the potential impact of this missense change (SIFT: "Not Available"; PolyPhen-2: "Benign"; Align-GVGD: "Not Available"). In summary, the available evidence is currently insufficient to determine the role of this variant in disease. Therefore, it has been classified as a Variant of Uncertain Significance.

NM_016122.3(CEP83):c.661T>C (p.Cys221Arg)

Gene: CEP83 (centrosomal protein 83; minus strand). Cytogenetic location: 12q22.
Variant type: single nucleotide variant.
Coding change: c.661T>C on transcript NM_016122.3 (MANE Select); coding-DNA position 661, T replaced by C.
Protein change: p.Cys221Arg; replaces cysteine 221 with arginine.
Molecular consequence: missense variant. On other transcripts: non-coding transcript variant (3).
Genome position (GRCh38, 1-based): chr12:94,378,931, A>G on the plus strand (T>C on the coding strand, the complement: CEP83 is on the minus strand). VCF-style: chr12-94378931-A-G. GRCh37 (hg19) VCF-style: chr12-94772707-A-G.
Other names: c.661T>C, p.Cys221Arg (NM_001042399.2, NM_001346457.2, NM_001346460.2 and 3 more transcripts); c.349T>C, p.Cys117Arg (NM_001346458.2, NM_001346459.2, NM_001346462.2 and 2 more transcripts); c.436T>C, p.Cys146Arg (NM_001368041.1); c.124T>C, p.Cys42Arg (NM_001368042.1); short protein forms C117R, C146R, C221R, C42R.
Identifiers: ClinVar variation 1014131 (VCV001014131.8), dbSNP rs1355622201, ClinGen allele CA386146896.
Genomic context (GRCh38, chr12:94,378,931, plus strand): 5'-AATTCTCCTTTTCAGCCTTTAATTCCGCTACTTCAGCCTCTAAACCTTTTAATTTTTGAC[A>G]CAAATAGACTTTTTCTCGAGCAAGTTGTTCCACTCGTTTGCTGTCTTTTGTGAGATCAAC-3'
Protein context (NP_057206.2, residues 211-231): EQLAREKVYL[Cys221Arg]QKLKGLEAEV